The following is an entry in ClinVar:

NM_003907.3(EIF2B5):c.1884G>T (p.Trp628Cys)

Gene: EIF2B5 (eukaryotic translation initiation factor 2B subunit epsilon; plus strand). Cytogenetic location: 3q27.1.
Variant type: single nucleotide variant.
Coding change: c.1884G>T on transcript NM_003907.3 (MANE Select); coding-DNA position 1884, G replaced by T.
Protein change: p.Trp628Cys; replaces tryptophan 628 with cysteine.
Molecular consequence: missense variant.
Genome position (GRCh38, 1-based): chr3:184,144,113, G>T. VCF-style: chr3-184144113-G-T. GRCh37 (hg19) VCF-style: chr3-183861901-G-T.
Other names: short protein forms W628C.
Identifiers: ClinVar variation 948428 (VCV000948428.6), dbSNP rs113994084, ClinGen allele CA355394001.
Genomic context (GRCh38, chr3:184,144,113, plus strand): 5'-GGTGAATGCTTAGGAATATACTGCAGCTCCCTTCTTTCTTCCATAGCTGCTAAAGGCCTG[G>T]AGCCCTGTTTTTAGGAACTACATAAAGCGCGCAGCCGACCATTTGGAAGCGTTAGCAGCC-3'
Protein context (NP_003898.2, residues 618-638): CALLLPLLKA[Trp628Cys]SPVFRNYIKR

ClinVar aggregate classification (germline): Uncertain significance (1 of 4 stars; one submission).

Allele frequency attached by ClinVar (database versions not stated): gnomAD exomes below 0.00001.
gnomAD v4.1: 1 of 1,614,182 alleles (0.000062%); highest among the groups gnomAD compares: Non-Finnish European, 0.000085%; no homozygotes.

Submission:

Labcorp Genetics (formerly Invitae), Labcorp
Classification: Uncertain significance. Last evaluated: 2019-05-08. Review status: criteria provided, single submitter. Criteria: Invitae Variant Classification Sherloc (09022015). Collection method: clinical testing. Allele origin: germline.
Comment: In summary, the available evidence is currently insufficient to determine the role of this variant in disease. Therefore, it has been classified as a Variant of Uncertain Significance. This sequence change replaces tryptophan with cysteine at codon 628 of the EIF2B5 protein (p.Trp628Cys). The tryptophan residue is highly conserved and there is a large physicochemical difference between tryptophan and cysteine. This variant is not present in population databases (ExAC no frequency). This variant has not been reported in the literature in individuals with EIF2B5-related conditions. Algorithms developed to predict the effect of missense changes on protein structure and function (SIFT, PolyPhen-2, Align-GVGD) all suggest that this variant is likely to be disruptive, but these predictions have not been confirmed by published functional studies and their clinical significance is uncertain.